The following is an entry in ClinVar:

ClinVar aggregate classification (germline): Likely benign (1 of 4 stars; one submission).

Submission:

CeGaT Center for Human Genetics Tuebingen
Classification: Likely benign. Last evaluated: 2026-05-01. Review status: criteria provided, single submitter. Criteria: CeGaT Center For Human Genetics Tuebingen Variant Classification Criteria Version 2. Collection method: clinical testing. Allele origin: germline. Affected: yes. Observed: 2 variant alleles.
Comment: DMBT1: PM2:Supporting, BP4, BP7

NM_001377530.1(DMBT1):c.1578T>C (p.Asn526=)

Gene: DMBT1 (deleted in malignant brain tumors 1; plus strand). Cytogenetic location: 10q26.13.
Variant type: single nucleotide variant.
Coding change: c.1578T>C on transcript NM_001377530.1 (MANE Select); coding-DNA position 1578, T replaced by C.
Protein change: p.Asn526=; no amino-acid change (asparagine 526 retained).
Molecular consequence: synonymous variant. On other transcripts: intron variant (1).
Genome position (GRCh38, 1-based): chr10:122,586,178, T>C. VCF-style: chr10-122586178-T-C. GRCh37 (hg19) VCF-style: chr10-124345694-T-C.
Other names: c.1578T>C, p.Asn526= (NM_001320644.2, NM_007329.3); c.1548T>C, p.Asn516= (NM_017579.3); c.1420+1827T>C (NM_004406.3).
Identifiers: ClinVar variation 2640915 (VCV002640915.24), dbSNP rs2133568887, ClinGen allele CA471746026.